The following is an entry in ClinVar:

NM_020824.4(ARHGAP21):c.383A>G (p.Asn128Ser)

Gene: ARHGAP21 (Rho GTPase activating protein 21; minus strand). Cytogenetic location: 10p12.1.
Variant type: single nucleotide variant.
Coding change: c.383A>G on transcript NM_020824.4 (MANE Select); coding-DNA position 383, A replaced by G.
Protein change: p.Asn128Ser; replaces asparagine 128 with serine.
Molecular consequence: missense variant. On other transcripts: non-coding transcript variant (3), intron variant (1).
Genome position (GRCh38, 1-based): chr10:24,633,459, T>C on the plus strand (A>G on the coding strand, the complement: ARHGAP21 is on the minus strand). VCF-style: chr10-24633459-T-C. GRCh37 (hg19) VCF-style: chr10-24922388-T-C.
Other names: NC_000010.10:g.24922388T>C; c.383A>G, p.Asn128Ser (NM_001367447.1, NM_001367448.1, NM_001367451.1 and 2 more transcripts); c.89A>G, p.Asn30Ser (NM_001367449.1, NM_001367450.1); c.25-10697A>G (NM_001367452.1); short protein forms N30S, N128S.
Identifiers: ClinVar variation 4362187 (VCV004362187.6).

ClinVar aggregate classification (germline): Likely benign (1 of 4 stars; one submission).

gnomAD v4.1: 6,104 of 1,611,166 alleles (0.38%); highest among the groups gnomAD compares: Non-Finnish European, 0.47%; 23 homozygotes.

Submissions (4):

CeGaT Center for Human Genetics Tuebingen
Classification: Likely benign. Last evaluated: 2026-08-01. Review status: criteria provided, single submitter. Criteria: CeGaT Center For Human Genetics Tuebingen Variant Classification Criteria Version 2. Collection method: clinical testing. Allele origin: germline. Affected: yes. Observed: 2 variant alleles.
Comment: ARHGAP21: BS2

Dr. Peter K. Rogan Lab, Western University
No classification provided (evidence only). Condition: Lung cancer. Review status: no classification provided. Collection method: in vitro. Allele origin: not applicable. Functional consequence: retained intron. Not counted in ClinVar's aggregate classification.

Dr. Peter K. Rogan Lab, Western University
No classification provided (evidence only). Condition: Acute myeloid leukemia. Review status: no classification provided. Collection method: in vitro. Allele origin: not applicable. Functional consequence: retained intron. Not counted in ClinVar's aggregate classification.

Dr. Peter K. Rogan Lab, Western University
No classification provided (evidence only). Condition: Hepatocellular carcinoma. Review status: no classification provided. Collection method: in vitro. Allele origin: not applicable. Functional consequence: retained intron. Not counted in ClinVar's aggregate classification.